The following is an entry in ClinVar:

ClinVar aggregate classification (germline): Benign/Likely benign. Review status: criteria provided, multiple submitters, no conflicts (2 of 4 stars). 5 submissions from 5 submitters: Benign (2); Likely benign (2). 1 of the submissions does not count toward it. Last evaluated 2025-12-26.

Conditions:
Retinal dystrophy. Also called: Inherited retinal dystrophy. Identifiers: Orphanet 71862, MedGen C0854723, MeSH D058499, MONDO:0019118, HP:0000556.
CRX-related disorder. Also called: CRX-related condition.
Cone-rod dystrophy 2 (CORD2). Also called: CONE-ROD RETINAL DYSTROPHY; Cone-rod retinal dystrophy 2. Identifiers: Orphanet 1872, MedGen C3489532, MONDO:0007362, OMIM 120970.
Leber congenital amaurosis 7 (LCA7). Identifiers: Orphanet 65, MedGen C3151192, MONDO:0013449, OMIM 613829.

Allele frequency attached by ClinVar (database versions not stated): gnomAD exomes 0.00007 and 0.00018; ExAC 0.00029; TOPMed 0.00068; gnomAD 0.00070 and 0.00072; ESP Exome Variant Server 0.00085; 1000 Genomes Project 30x 0.00156; 1000 Genomes Project 0.00180.
gnomAD v4.1: 217 of 1,613,922 alleles (0.013%); highest among the groups gnomAD compares: African/African-American, 0.21%; no homozygotes.

Submissions (5):

Labcorp Genetics (formerly Invitae), Labcorp
Classification: Benign for Cone-rod dystrophy 2; Leber congenital amaurosis 7. Last evaluated: 2025-12-26. Review status: criteria provided, single submitter. Criteria: Invitae Variant Classification Sherloc (09022015). Collection method: clinical testing. Allele origin: germline.

Blueprint Genetics
Classification: Likely benign. Last evaluated: 2024-09-02. Review status: criteria provided, single submitter. Criteria: ACMG Guidelines, 2015. Collection method: clinical testing. Allele origin: germline.

Dept Of Ophthalmology, Nagoya University
Classification: Benign for Retinal dystrophy. Last evaluated: 2023-10-01. Review status: criteria provided, single submitter. Criteria: Submitter's publication. Collection method: research. Allele origin: germline. Affected: yes.

Eurofins Ntd Llc (ga)
Classification: Likely benign. Last evaluated: 2016-04-14. Review status: criteria provided, single submitter. Criteria: EGL Classification Definitions 2015. Collection method: clinical testing. Allele origin: germline. Observed: 1 variant allele, 1 heterozygote.

PreventionGenetics, part of Exact Sciences
Classification: Likely benign for CRX-related condition. Last evaluated: 2019-07-24. Review status: no assertion criteria provided. Collection method: clinical testing. Allele origin: germline. Not counted in ClinVar's aggregate classification.
Comment: This variant is classified as likely benign based on ACMG/AMP sequence variant interpretation guidelines (Richards et al. 2015 PMID: 25741868, with internal and published modifications).

NM_000554.6(CRX):c.618C>T (p.Ser206=)

Gene: CRX (cone-rod homeobox; plus strand). Cytogenetic location: 19q13.33.
Variant type: single nucleotide variant.
Coding change: c.618C>T on transcript NM_000554.6 (MANE Select); coding-DNA position 618, C replaced by T.
Protein change: p.Ser206=; no amino-acid change (serine 206 retained).
Molecular consequence: synonymous variant.
Genome position (GRCh38, 1-based): chr19:47,839,685, C>T. VCF-style: chr19-47839685-C-T. GRCh37 (hg19) VCF-style: chr19-48342942-C-T.
Other names: c.618C>T (NM_000554.5).
Identifiers: ClinVar variation 287055 (VCV000287055.19), dbSNP rs145117150, ClinGen allele CA9544535.